The following is an entry in ClinVar:

ClinVar aggregate classification (germline): Likely benign (1 of 4 stars; one submission).

gnomAD v4.1: 24 of 1,614,084 alleles (0.0015%); highest among the groups gnomAD compares: Admixed American, 0.005%; no homozygotes.

Submission:

Mayo Clinic Laboratories, Mayo Clinic
Classification: Likely benign. Last evaluated: 2025-10-17. Review status: criteria provided, single submitter. Criteria: ACMG Guidelines, 2015. Collection method: clinical testing. Allele origin: germline. Observed: 1 variant allele.
Comment: BP4, BP7, PM2_supporting

NM_000342.4(SLC4A1):c.378C>T (p.Thr126=)

Gene: SLC4A1 (solute carrier family 4 member 1 (Diego blood group); minus strand). Cytogenetic location: 17q21.31.
Variant type: single nucleotide variant.
Coding change: c.378C>T on transcript NM_000342.4 (MANE Select); coding-DNA position 378, C replaced by T.
Protein change: p.Thr126=; no amino-acid change (threonine 126 retained).
Molecular consequence: synonymous variant.
Genome position (GRCh38, 1-based): chr17:44,260,511, G>A on the plus strand (C>T on the coding strand, the complement: SLC4A1 is on the minus strand). VCF-style: chr17-44260511-G-A. GRCh37 (hg19) VCF-style: chr17-42337879-G-A.
Other names: p.Thr126=.
Identifiers: ClinVar variation 4684222 (VCV004684222.1).